The following is an entry in ClinVar:

ClinVar aggregate classification (germline): Uncertain significance (1 of 4 stars; one submission).

Submission:

Labcorp Genetics (formerly Invitae), Labcorp
Classification: Uncertain significance. Last evaluated: 2022-06-20. Review status: criteria provided, single submitter. Criteria: Invitae Variant Classification Sherloc (09022015). Collection method: clinical testing. Allele origin: germline.
Comment: In summary, the available evidence is currently insufficient to determine the role of this variant in disease. Therefore, it has been classified as a Variant of Uncertain Significance. Algorithms developed to predict the effect of missense changes on protein structure and function are either unavailable or do not agree on the potential impact of this missense change (SIFT: "Deleterious"; PolyPhen-2: "Probably Damaging"; Align-GVGD: "Class C0"). This variant has not been reported in the literature in individuals affected with SPEG-related conditions. This variant is not present in population databases (gnomAD no frequency). This sequence change replaces glutamine, which is neutral and polar, with leucine, which is neutral and non-polar, at codon 1238 of the SPEG protein (p.Gln1238Leu).

NM_005876.5(SPEG):c.3713A>T (p.Gln1238Leu)

Gene: SPEG (striated muscle enriched protein kinase; plus strand). Cytogenetic location: 2q35.
Variant type: single nucleotide variant.
Coding change: c.3713A>T on transcript NM_005876.5 (MANE Select); coding-DNA position 3713, A replaced by T.
Protein change: p.Gln1238Leu; replaces glutamine 1238 with leucine.
Molecular consequence: missense variant.
Genome position (GRCh38, 1-based): chr2:219,469,377, A>T. VCF-style: chr2-219469377-A-T. GRCh37 (hg19) VCF-style: chr2-220334099-A-T.
Other names: short protein forms Q1238L.
Identifiers: ClinVar variation 1481408 (VCV001481408.6), dbSNP rs1691670080, ClinGen allele CA350749786.
Genomic context (GRCh38, chr2:219,469,377, plus strand): 5'-CCATCAGCTGGTTCCACAATGGCCACCGCATCCAGAGCAGCGACGACCGGCGCATGACAC[A>T]GTGTACGTGTCTGGGAAGTTCCCCGGGAGTGTCCCCTGCAGCACCCACTTGGCTTGCAAT-3'
Protein context (NP_005867.3, residues 1228-1248): IQSSDDRRMT[Gln1238Leu]YRDVHRLVFP